The following is an entry in ClinVar:

ClinVar aggregate classification (germline): Uncertain significance. Review status: criteria provided, multiple submitters, no conflicts (2 of 4 stars). 2 submissions from 2 submitters: Uncertain significance (2). Last evaluated 2022-03-18.

Conditions:
Alstrom syndrome (ALMS). Identifiers: Orphanet 64, MedGen C0268425, MONDO:0008763, OMIM 203800.

Allele frequency attached by ClinVar (database versions not stated): TOPMed below 0.00001; gnomAD exomes 0.00001.
gnomAD v4.1: 5 of 1,608,810 alleles (0.00031%); highest among the groups gnomAD compares: Non-Finnish European, 0.00042%; no homozygotes.

Submissions (2):

Labcorp Genetics (formerly Invitae), Labcorp
Classification: Uncertain significance for Alstrom syndrome. Last evaluated: 2022-03-18. Review status: criteria provided, single submitter. Criteria: Invitae Variant Classification Sherloc (09022015). Collection method: clinical testing. Allele origin: germline.
Comment: This sequence change replaces aspartic acid, which is acidic and polar, with histidine, which is basic and polar, at codon 390 of the ALMS1 protein (p.Asp390His). This variant is not present in population databases (gnomAD no frequency). This variant has not been reported in the literature in individuals affected with ALMS1-related conditions. ClinVar contains an entry for this variant (Variation ID: 1033319). Experimental studies and prediction algorithms are not available or were not evaluated, and the functional significance of this variant is currently unknown. In summary, the available evidence is currently insufficient to determine the role of this variant in disease. Therefore, it has been classified as a Variant of Uncertain Significance.

Baylor Genetics
Classification: Uncertain significance for Alstrom syndrome. Last evaluated: 2018-04-03. Review status: criteria provided, single submitter. Criteria: ACMG Guidelines, 2015. Collection method: clinical testing. Allele origin: paternal. Affected: yes.
Comment: This variant was determined to be of uncertain significance according to ACMG Guidelines, 2015 [PMID:25741868].

NM_001378454.1(ALMS1):c.1165G>C (p.Asp389His)

Gene: ALMS1 (ALMS1 centrosome and basal body associated protein; plus strand). Cytogenetic location: 2p13.1.
Variant type: single nucleotide variant.
Coding change: c.1165G>C on transcript NM_001378454.1 (MANE Select); coding-DNA position 1165, G replaced by C.
Protein change: p.Asp389His; replaces aspartic acid 389 with histidine.
Molecular consequence: missense variant.
Genome position (GRCh38, 1-based): chr2:73,424,830, G>C. VCF-style: chr2-73424830-G-C. GRCh37 (hg19) VCF-style: chr2-73651958-G-C.
Other names: c.1168G>C, p.Asp390His (NM_015120.4); short protein forms D389H, D390H.
Identifiers: ClinVar variation 1033319 (VCV001033319.3), dbSNP rs1671348747, ClinGen allele CA347261636.